The following is an entry in ClinVar:

NM_177550.5(SLC13A5):c.1286T>G (p.Leu429Arg)

Gene: SLC13A5 (solute carrier family 13 member 5; minus strand). Cytogenetic location: 17p13.1.
Variant type: single nucleotide variant.
Coding change: c.1286T>G on transcript NM_177550.5 (MANE Select); coding-DNA position 1286, T replaced by G.
Protein change: p.Leu429Arg; replaces leucine 429 with arginine.
Molecular consequence: missense variant.
Genome position (GRCh38, 1-based): chr17:6,690,930, A>C on the plus strand (T>G on the coding strand, the complement: SLC13A5 is on the minus strand). VCF-style: chr17-6690930-A-C. GRCh37 (hg19) VCF-style: chr17-6594249-A-C.
Other names: c.1286T>G, p.Leu429Arg (NM_001143838.3); c.1235T>G, p.Leu412Arg (NM_001284509.2); c.1157T>G, p.Leu386Arg (NM_001284510.2); c.1286T>G (NM_177550.3); short protein forms L386R, L429R, L412R.
Identifiers: ClinVar variation 1469955 (VCV001469955.7), dbSNP rs1231356601, ClinGen allele CA397740165.

ClinVar aggregate classification (germline): Uncertain significance. Review status: criteria provided, multiple submitters, no conflicts (2 of 4 stars). 2 submissions from 2 submitters: Uncertain significance (2). Last evaluated 2025-05-16.

Conditions:
Inborn genetic diseases. Identifiers: MedGen C0950123, MeSH D030342.
Developmental and epileptic encephalopathy, 25 (DEE25). Also called: Developmental and epileptic encephalopathy 25, with amelogenesis imperfecta; Epileptic encephalopathy, early infantile, 25, with amelogenesis imperfecta; Epileptic encephalopathy, early infantile, 25. Identifiers: Orphanet 442835, MedGen C4014621, MONDO:0014392, OMIM 615905.

Allele frequency attached by ClinVar (database versions not stated): gnomAD exomes below 0.00001; TOPMed below 0.00001; gnomAD 0.00001.
gnomAD v4.1: 2 of 1,607,192 alleles (0.00012%); highest among the groups gnomAD compares: African/African-American, 0.0013%; no homozygotes.

Submissions (2):

Ambry Genetics
Classification: Uncertain significance for Inborn genetic diseases. Last evaluated: 2025-05-16. Review status: criteria provided, single submitter. Criteria: Ambry Variant Classification Scheme 2023. Collection method: clinical testing. Allele origin: germline.

Labcorp Genetics (formerly Invitae), Labcorp
Classification: Uncertain significance for Developmental and epileptic encephalopathy, 25. Last evaluated: 2021-03-28. Review status: criteria provided, single submitter. Criteria: Invitae Variant Classification Sherloc (09022015). Collection method: clinical testing. Allele origin: germline.
Comment: In summary, the available evidence is currently insufficient to determine the role of this variant in disease. Therefore, it has been classified as a Variant of Uncertain Significance. Algorithms developed to predict the effect of missense changes on protein structure and function (SIFT, PolyPhen-2, Align-GVGD) all suggest that this variant is likely to be disruptive, but these predictions have not been confirmed by published functional studies and their clinical significance is uncertain. This variant has not been reported in the literature in individuals with SLC13A5-related conditions. This variant is not present in population databases (ExAC no frequency). This sequence change replaces leucine with arginine at codon 429 of the SLC13A5 protein (p.Leu429Arg). The leucine residue is highly conserved and there is a moderate physicochemical difference between leucine and arginine.